The following is an entry in ClinVar:

ClinVar aggregate classification (germline): Uncertain significance. Review status: criteria provided, multiple submitters, no conflicts (2 of 4 stars). 2 submissions from 2 submitters: Uncertain significance (2). Last evaluated 2024-05-02.

Conditions:
Hypertrophic cardiomyopathy. Also called: HYPERTROPHIC MYOCARDIOPATHY. Identifiers: Orphanet 217569, MedGen C0007194, MeSH D002312, MONDO:0005045, HP:0001639.

Allele frequency attached by ClinVar (database versions not stated): ExAC 0.00001; gnomAD exomes 0.00001; TOPMed 0.00001; gnomAD 0.00004; 1000 Genomes Project 0.00020; 1000 Genomes Project 30x 0.00031.
gnomAD v4.1: 20 of 1,613,738 alleles (0.0012%); highest among the groups gnomAD compares: Non-Finnish European, 0.0017%; no homozygotes.

Submissions (2):

Labcorp Genetics (formerly Invitae), Labcorp
Classification: Uncertain significance for Hypertrophic cardiomyopathy. Last evaluated: 2024-05-02. Review status: criteria provided, single submitter. Criteria: Invitae Variant Classification Sherloc (09022015). Collection method: clinical testing. Allele origin: germline.
Comment: This sequence change replaces serine, which is neutral and polar, with phenylalanine, which is neutral and non-polar, at codon 110 of the MYOM1 protein (p.Ser110Phe). This variant is present in population databases (rs75131308, gnomAD 0.003%). This variant has not been reported in the literature in individuals affected with MYOM1-related conditions. ClinVar contains an entry for this variant (Variation ID: 569518). An algorithm developed to predict the effect of missense changes on protein structure and function (PolyPhen-2) suggests that this variant is likely to be tolerated. In summary, the available evidence is currently insufficient to determine the role of this variant in disease. Therefore, it has been classified as a Variant of Uncertain Significance.

Ambry Genetics
Classification: Uncertain significance. Last evaluated: 2023-05-27. Review status: criteria provided, single submitter. Criteria: Ambry Variant Classification Scheme 2023. Collection method: clinical testing. Allele origin: germline.
Comment: The p.S110F variant (also known as c.329C>T), located in coding exon 2 of the MYOM1 gene, results from a C to T substitution at nucleotide position 329. The serine at codon 110 is replaced by phenylalanine, an amino acid with highly dissimilar properties. This amino acid position is conserved. In addition, this alteration is predicted to be tolerated by in silico analysis. Since supporting evidence is limited at this time, the clinical significance of this alteration remains unclear.

NM_003803.4(MYOM1):c.329C>T (p.Ser110Phe)

Gene: MYOM1 (myomesin 1; minus strand). Cytogenetic location: 18p11.31.
Variant type: single nucleotide variant.
Coding change: c.329C>T on transcript NM_003803.4 (MANE Select); coding-DNA position 329, C replaced by T.
Protein change: p.Ser110Phe; replaces serine 110 with phenylalanine.
Molecular consequence: missense variant.
Genome position (GRCh38, 1-based): chr18:3,193,920, G>A on the plus strand (C>T on the coding strand, the complement: MYOM1 is on the minus strand). VCF-style: chr18-3193920-G-A. GRCh37 (hg19) VCF-style: chr18-3193918-G-A.
Other names: c.329C>T, p.Ser110Phe (NM_019856.2); short protein forms S110F.
Identifiers: ClinVar variation 569518 (VCV000569518.10), dbSNP rs75131308, ClinGen allele CA8875272.